The following is an entry in ClinVar:

NM_001042492.3(NF1):c.4599del (p.Arg1533fs)

Gene: NF1 (neurofibromin 1; plus strand). Cytogenetic location: 17q11.2.
Variant type: Deletion.
Coding change: c.4599del on transcript NM_001042492.3 (MANE Select); coding-DNA position 4599, one base deleted (A; older notation c.4599delA).
Protein change: p.Arg1533fs; shifts the reading frame from arginine 1533.
Molecular consequence: frameshift variant.
Genome position (GRCh38, 1-based): chr17:31,261,732, A deleted. VCF-style (leftmost placement, unchanged base first): chr17-31261731-GA-G. GRCh37 (hg19) VCF-style: chr17-29588749-GA-G.
Other names: c.4536delA (NM_000267.3); c.4536delA, p.Arg1512Serfs (NM_000267.4); short protein forms R1512fs, R1533fs.
Identifiers: ClinVar variation 3237788 (VCV003237788.1), dbSNP rs2508429253.

ClinVar aggregate classification (germline): Pathogenic (1 of 4 stars; one submission).

Conditions:
Hereditary cancer-predisposing syndrome. Also called: Neoplastic Syndromes, Hereditary; Tumor predisposition; Hereditary neoplastic syndrome; Hereditary Cancer Syndrome. Identifiers: Orphanet 140162, MedGen C0027672, MeSH D009386, MONDO:0015356.
Cardiovascular phenotype. Identifiers: MedGen CN230736.

Submission:

Ambry Genetics
Classification: Pathogenic for Cardiovascular phenotype; Hereditary cancer-predisposing syndrome. Last evaluated: 2023-06-29. Review status: criteria provided, single submitter. Criteria: Ambry Variant Classification Scheme 2023. Collection method: clinical testing. Allele origin: germline.
Comment: The c.4536delA pathogenic mutation, located in coding exon 34 of the NF1 gene, results from a deletion of one nucleotide at nucleotide position 4536, causing a translational frameshift with a predicted alternate stop codon (p.R1512Sfs*41). This alteration has been observed in at least one individual with a personal and/or family history that is consistent with NF1-related disease (Ambry internal data). This variant is considered to be rare based on population cohorts in the Genome Aggregation Database (gnomAD). This alteration is expected to result in loss of function by premature protein truncation or nonsense-mediated mRNA decay. As such, this alteration is interpreted as a disease-causing mutation.